The following is an entry in ClinVar:

ClinVar aggregate classification (germline): Conflicting classifications of pathogenicity. Review status: criteria provided, conflicting classifications (1 of 4 stars). 2 submissions from 2 submitters: Likely pathogenic (1); Uncertain significance (1). Last evaluated 2022-08-25.

Conditions:
Hereditary cancer-predisposing syndrome. Also called: Tumor predisposition; Neoplastic Syndromes, Hereditary; Hereditary neoplastic syndrome; Hereditary Cancer Syndrome. Identifiers: Orphanet 140162, MedGen C0027672, MeSH D009386, MONDO:0015356.

Allele frequency attached by ClinVar (database versions not stated): gnomAD exomes below 0.00001.

Submissions (2):

Ambry Genetics
Classification: Uncertain significance. Last evaluated: 2022-08-25. Review status: criteria provided, single submitter. Criteria: Ambry Variant Classification Scheme 2023. Collection method: clinical testing. Allele origin: germline.
Comment: The c.493_497delAGTTC variant, located in coding exon 4 of the RECQL gene, results from a deletion of 5 nucleotides at nucleotide positions 493 to 497, causing a translational frameshift with a predicted alternate stop codon (p.S165*). This alteration is expected to result in loss of function by premature protein truncation or nonsense-mediated mRNA decay. However, the evidence for this gene-disease relationship is limited; therefore, the clinical significance of this alteration is unclear.

Mendelics
Classification: Likely pathogenic for Hereditary cancer-predisposing syndrome. Last evaluated: 2018-07-02. Review status: criteria provided, single submitter. Criteria: Mendelics Assertion Criteria 2017. Collection method: clinical testing. Allele origin: unknown.

NM_002907.4(RECQL):c.493_497del (p.Ser164_Ser165insTer)

Gene: RECQL (RecQ like helicase; minus strand). Cytogenetic location: 12p12.1.
Variant type: Deletion.
Coding change: c.493_497del on transcript NM_002907.4 (MANE Select); coding-DNA positions 493 to 497, 5 bases deleted (AGTTC; older notation c.493_497delAGTTC).
Protein change: p.Ser164_Ser165insTer.
Molecular consequence: nonsense.
Genome position (GRCh38, 1-based): chr12:21,486,483-21,486,487, GAACT deleted on the plus strand (AGTTC on the coding strand, the reverse complement: RECQL is on the minus strand). VCF-style (leftmost placement, unchanged base first): chr12-21486482-AGAACT-A. GRCh37 (hg19) VCF-style: chr12-21639416-AGAACT-A.
Other names: c.493_497del, p.Ser164_Ser165insTer (NM_032941.3).
Identifiers: ClinVar variation 584816 (VCV000584816.4), dbSNP rs1565570957, ClinGen allele CA891843474.